The following is an entry in ClinVar:

NM_000368.5(TSC1):c.2162G>C (p.Arg721Pro)

Gene: TSC1 (TSC complex subunit 1; minus strand). Cytogenetic location: 9q34.13.
Variant type: single nucleotide variant.
Coding change: c.2162G>C on transcript NM_000368.5 (MANE Select); coding-DNA position 2162, G replaced by C.
Protein change: p.Arg721Pro; replaces arginine 721 with proline.
Molecular consequence: missense variant.
Genome position (GRCh38, 1-based): chr9:132,903,697, C>G on the plus strand (G>C on the coding strand, the complement: TSC1 is on the minus strand). VCF-style: chr9-132903697-C-G. GRCh37 (hg19) VCF-style: chr9-135779084-C-G.
Other names: c.2159G>C, p.Arg720Pro (NM_001162426.2); c.2009G>C, p.Arg670Pro (NM_001162427.2); c.1799G>C, p.Arg600Pro (NM_001362177.2); short protein forms R720P, R721P, R670P, R600P.
Identifiers: ClinVar variation 842823 (VCV000842823.9), dbSNP rs769566267, ClinGen allele CA031632.
Genomic context (GRCh38, chr9:132,903,697, plus strand): 5'-TCCCCAGTCCTCACCATGGCAGCATTATGTTCCTCCAGAGCTGCTGCTTTGATCACCTTG[C>G]GGAGGAGCCGCCTGTTCCGGAGGGCATGCTGCTGCCTCTTAAAACGCTCATAGAGTAACT-3'
Protein context (NP_000359.1, residues 711-731): QHALRNRRLL[Arg721Pro]KVIKAAALEE

ClinVar aggregate classification (germline): Uncertain significance. Review status: criteria provided, multiple submitters, no conflicts (2 of 4 stars). 3 submissions from 3 submitters: Uncertain significance (3). Last evaluated 2024-12-09.

Conditions:
Tuberous sclerosis syndrome (TSC). Also called: Tuberous Sclerosis Complex; Tuberous sclerosis. Identifiers: Orphanet 805, MedGen C0041341, MONDO:0001734.
Tuberous sclerosis 1 (TSC1). Identifiers: Orphanet 805, MedGen C1854465, MONDO:0008612, OMIM 191100.
Hereditary cancer-predisposing syndrome. Also called: Neoplastic Syndromes, Hereditary; Hereditary neoplastic syndrome; Tumor predisposition; Hereditary Cancer Syndrome. Identifiers: Orphanet 140162, MedGen C0027672, MeSH D009386, MONDO:0015356.

Submissions (3):

Ambry Genetics
Classification: Uncertain significance for Hereditary cancer-predisposing syndrome. Last evaluated: 2024-12-09. Review status: criteria provided, single submitter. Criteria: Ambry Variant Classification Scheme 2023. Collection method: clinical testing. Allele origin: germline.
Comment: The p.R721P variant (also known as c.2162G>C), located in coding exon 15 of the TSC1 gene, results from a G to C substitution at nucleotide position 2162. The arginine at codon 721 is replaced by proline, an amino acid with dissimilar properties. This amino acid position is highly conserved in available vertebrate species. In addition, this alteration is predicted to be deleterious by in silico analysis. Based on the available evidence, the clinical significance of this variant remains unclear.

Labcorp Genetics (formerly Invitae), Labcorp
Classification: Uncertain significance for Tuberous sclerosis 1. Last evaluated: 2024-09-22. Review status: criteria provided, single submitter. Criteria: Invitae Variant Classification Sherloc (09022015). Collection method: clinical testing. Allele origin: germline.
Comment: This sequence change replaces arginine, which is basic and polar, with proline, which is neutral and non-polar, at codon 721 of the TSC1 protein (p.Arg721Pro). This variant is present in population databases (rs769566267, gnomAD 0.0009%). This variant has not been reported in the literature in individuals affected with TSC1-related conditions. ClinVar contains an entry for this variant (Variation ID: 842823). Invitae Evidence Modeling of protein sequence and biophysical properties (such as structural, functional, and spatial information, amino acid conservation, physicochemical variation, residue mobility, and thermodynamic stability) indicates that this missense variant is not expected to disrupt TSC1 protein function with a negative predictive value of 80%. In summary, the available evidence is currently insufficient to determine the role of this variant in disease. Therefore, it has been classified as a Variant of Uncertain Significance.

All of Us Research Program, National Institutes of Health
Classification: Uncertain significance for Tuberous sclerosis syndrome. Last evaluated: 2023-08-15. Review status: criteria provided, single submitter. Criteria: ACMG Guidelines, 2015. Collection method: clinical testing. Allele origin: germline. Inheritance: Autosomal dominant inheritance. Observed: 1 variant allele, 1 heterozygote.
Comment: This missense variant replaces arginine with proline at codon 721 of the TSC1 protein. Computational prediction is inconclusive regarding the impact of this variant on protein structure and function (internally defined REVEL score threshold 0.5 < inconclusive < 0.7, PMID: 27666373). To our knowledge, functional studies have not been reported for this variant. This variant has not been reported in individuals affected with TSC1-related disorders in the literature. This variant has been identified in 1/251238 chromosomes in the general population by the Genome Aggregation Database (gnomAD). The available evidence is insufficient to determine the role of this variant in disease conclusively. Therefore, this variant is classified as a Variant of Uncertain Significance.

This study involves interpretation of variants in research participants for the purpose of population health screening. Participant phenotype was not available at the time of variant classification. Additional details can be found in publication PMID: 35346344, PMCID: PMC8962531